The following is an entry in ClinVar:

ClinVar aggregate classification (germline): Likely benign (1 of 4 stars; one submission).

Submission:

Women's Health and Genetics/Laboratory Corporation of America, LabCorp
Classification: Likely benign. Last evaluated: 2024-01-05. Review status: criteria provided, single submitter. Criteria: LabCorp Variant Classification Summary - May 2015. Collection method: clinical testing. Allele origin: germline.
Comment: Variant summary: EEF2 c.613-9C>T alters a non-conserved nucleotide located at a position not widely known to affect splicing. Consensus agreement among computation tools predict no significant impact on normal splicing. However, these predictions have yet to be confirmed by functional studies. The variant was absent in 250422 control chromosomes (gnomAD). The available data on variant occurrences in the general population are insufficient to allow any conclusion about variant significance. To our knowledge, no occurrence of c.613-9C>T in individuals affected with Spinocerebellar Ataxia and no experimental evidence demonstrating its impact on protein function have been reported. No submitters have cited clinical-significance assessments for this variant to ClinVar. Based on the evidence outlined above, the variant was classified as likely benign.

NM_001961.4(EEF2):c.613-9C>T

Gene: EEF2 (eukaryotic translation elongation factor 2; minus strand). Cytogenetic location: 19p13.3.
Variant type: single nucleotide variant.
Coding change: c.613-9C>T on transcript NM_001961.4 (MANE Select); 9 bases into the intron before coding-DNA position 613, C replaced by T.
Molecular consequence: intron variant.
Genome position (GRCh38, 1-based): chr19:3,982,433, G>A on the plus strand (C>T on the coding strand, the complement: EEF2 is on the minus strand). VCF-style: chr19-3982433-G-A. GRCh37 (hg19) VCF-style: chr19-3982431-G-A.
Identifiers: ClinVar variation 3063781 (VCV003063781.1), dbSNP rs2512205450, ClinGen allele CA2740091851.